The following is an entry in ClinVar:

ClinVar aggregate classification (germline): Pathogenic/Likely pathogenic. Review status: criteria provided, multiple submitters, no conflicts (2 of 4 stars). 3 submissions from 3 submitters: Pathogenic (2); Likely pathogenic (1). Last evaluated 2026-01-26.

Conditions:
Familial cancer of breast. Also called: BREAST CANCER, FAMILIAL; Hereditary breast cancer; hereditary breast carcinoma. Identifiers: Orphanet 227535, MedGen C0346153, MONDO:0016419, OMIM 114480. Disease mechanism: loss of function.
Ataxia-telangiectasia syndrome (AT). Also called: Ataxia-telangiectasia; LOUIS-BAR SYNDROME; Ataxia-telangiectasia, complementation group D; AT, COMPLEMENTATION GROUP C; ATAXIA-TELANGIECTASIA, COMPLEMENTATION GROUP A; ATAXIA-TELANGIECTASIA, FRESNO VARIANT. Identifiers: Orphanet 100, MedGen C0004135, MONDO:0008840, OMIM 208900.
Hereditary cancer-predisposing syndrome. Also called: Tumor predisposition; Neoplastic Syndromes, Hereditary; Hereditary Cancer Syndrome; Hereditary neoplastic syndrome. Identifiers: Orphanet 140162, MedGen C0027672, MeSH D009386, MONDO:0015356.

Submissions (3):

Ambry Genetics
Classification: Pathogenic for Hereditary cancer-predisposing syndrome. Last evaluated: 2026-01-26. Review status: criteria provided, single submitter. Criteria: Ambry Variant Classification Scheme 2023. Collection method: clinical testing. Allele origin: germline.
Comment: The p.W2291* pathogenic mutation (also known as c.6872G>A), located in coding exon 46 of the ATM gene, results from a G to A substitution at nucleotide position 6872. This changes the amino acid from a tryptophan to a stop codon within coding exon 46. This variant is considered to be rare based on population cohorts in the Genome Aggregation Database (gnomAD). This alteration is expected to result in loss of function by premature protein truncation or nonsense-mediated mRNA decay. As such, this alteration is interpreted as a disease-causing mutation.

Myriad Genetics, Inc.
Classification: Pathogenic for Familial cancer of breast. Last evaluated: 2023-03-29. Review status: criteria provided, single submitter. Criteria: Myriad Autosomal Dominant, Autosomal Recessive and X-Linked Classification Criteria (2023). Collection method: clinical testing. Allele origin: unknown.
Comment: This variant is considered pathogenic. This variant creates a termination codon and is predicted to result in premature protein truncation.

Women's Health and Genetics/Laboratory Corporation of America, LabCorp
Classification: Likely pathogenic for Ataxia-telangiectasia syndrome. Last evaluated: 2022-01-07. Review status: criteria provided, single submitter. Criteria: LabCorp Variant Classification Summary - May 2015. Collection method: clinical testing. Allele origin: germline.
Comment: Variant summary: ATM c.6872G>A (p.Trp2291X) results in a premature termination codon, predicted to cause a truncation of the encoded protein or absence of the protein due to nonsense mediated decay, which are commonly known mechanisms for disease. Truncations downstream of this position have been classified as pathogenic by our laboratory. The variant was absent in 251210 control chromosomes (gnomAD). c.6872G>A has been reported in the literature in at least one individual affected with breast cancer (Dorling_2021, LOVD database). Additionally, a different variant (c.6873G>A) giving rise to the same protein effect observed here (p.Trp2291X) has been reported in one individual affected with Ataxia-Telangiectasia (Jeddane_2013). These data indicate that the variant is very likely to be associated with disease. To our knowledge, no experimental evidence demonstrating an impact on protein function has been reported. No clinical diagnostic laboratories have submitted clinical-significance assessments for this variant to ClinVar after 2014. Based on the evidence outlined above, the variant was classified as likely pathogenic.

Literature cited by the submitters: PubMed 23322442 (cited by Women's Health and Genetics/Laboratory Corporation of America, LabCorp); PubMed 33471991 (cited by Women's Health and Genetics/Laboratory Corporation of America, LabCorp).

NM_000051.4(ATM):c.6872G>A (p.Trp2291Ter)

Genes: ATM (ATM serine/threonine kinase; plus strand), C11orf65 (chromosome 11 open reading frame 65; minus strand). Cytogenetic location: 11q22.3.
Variant type: single nucleotide variant.
Coding change: c.6872G>A on transcript NM_000051.4 (MANE Select); coding-DNA position 6872, G replaced by A.
Protein change: p.Trp2291Ter; replaces tryptophan 2291 with a stop codon.
Molecular consequence: nonsense. On other transcripts: intron variant (2).
Genome position (GRCh38, 1-based): chr11:108,326,122, G>A. VCF-style: chr11-108326122-G-A. GRCh37 (hg19) VCF-style: chr11-108196849-G-A.
Other names: c.6872G>A, p.Trp2291Ter (NM_001351834.2); c.641-17051C>T (NM_001330368.2); c.*38+9098C>T (NM_001351110.2); short protein forms W2291*.
Identifiers: ClinVar variation 1339766 (VCV001339766.5), dbSNP rs2136334561, ClinGen allele CA382556777.
Genomic context (GRCh38, chr11:108,326,122, plus strand): 5'-CTGAAAGGGCAATATTTCAAATTAAACAGTACAATTCAGTTAGCTGTGGAGTCTCTGAGT[G>A]GCAGCTGGAAGAAGCACAAGTATTCTGGGCAAAAAAGGAGCAGAGTCTTGCCCTGAGTAT-3'